The following is an entry in ClinVar:

ClinVar aggregate classification (germline): Uncertain significance (0 of 4 stars; one submission).

Conditions:
CDKN2A-related disorder. Also called: CDKN2A-related condition.

gnomAD v4.1: 1 of 1,536,042 alleles (0.000065%); highest among the groups gnomAD compares: Non-Finnish European, 0.000087%; no homozygotes.

Submission:

PreventionGenetics, part of Exact Sciences
Classification: Uncertain significance for CDKN2A-related condition. Last evaluated: 2024-04-18. Review status: no assertion criteria provided. Collection method: clinical testing. Allele origin: germline.
Comment: The CDKN2A c.494G>C variant is predicted to result in the amino acid substitution p.Arg165Thr. To our knowledge, this variant has not been reported in the literature or in a large population database, indicating this variant is rare. At this time, the clinical significance of this variant is uncertain due to the absence of conclusive functional and genetic evidence.

NM_000077.5(CDKN2A):c.458-493G>C

Gene: CDKN2A (cyclin dependent kinase inhibitor 2A; minus strand). Cytogenetic location: 9p21.3.
Variant type: single nucleotide variant.
Coding change: c.458-493G>C on transcript NM_000077.5 (MANE Select); 493 bases into the intron before coding-DNA position 458, G replaced by C.
Molecular consequence: intron variant. On other transcripts: missense variant (1).
Genome position (GRCh38, 1-based): chr9:21,968,735, C>G on the plus strand (G>C on the coding strand, the complement: CDKN2A is on the minus strand). VCF-style: chr9-21968735-C-G. GRCh37 (hg19) VCF-style: chr9-21968734-C-G.
Other names: c.494G>C, p.Arg165Thr (NM_001195132.2); c.305-493G>C (NM_001363763.2); c.*102-493G>C (NM_058195.4); c.*381-493G>C (NM_058197.5); short protein forms R165T.
Identifiers: ClinVar variation 3349350 (VCV003349350.1).